The following is an entry in ClinVar:

ClinVar aggregate classification (germline): Uncertain significance (1 of 4 stars; one submission).

Conditions:
Noonan syndrome 9 (NS9). Identifiers: Orphanet 648, MedGen C4225282, MONDO:0014691, OMIM 616559.

gnomAD v4.1: 2 of 1,607,560 alleles (0.00012%); highest among the groups gnomAD compares: Non-Finnish European, 0.00017%; no homozygotes.

Submission:

Labcorp Genetics (formerly Invitae), Labcorp
Classification: Uncertain significance for Noonan syndrome 9. Last evaluated: 2026-02-03. Review status: criteria provided, single submitter. Criteria: Invitae Variant Classification Sherloc (09022015). Collection method: clinical testing. Allele origin: germline.
Comment: This sequence change replaces isoleucine, which is neutral and non-polar, with valine, which is neutral and non-polar, at codon 181 of the SOS2 protein (p.Ile181Val). This variant is not present in population databases (gnomAD no frequency). This variant has not been reported in the literature in individuals affected with SOS2-related conditions. ClinVar contains an entry for this variant (Variation ID: 1947518). Invitae Evidence Modeling of protein sequence and biophysical properties (such as structural, functional, and spatial information, amino acid conservation, physicochemical variation, residue mobility, and thermodynamic stability) indicates that this missense variant is not expected to disrupt SOS2 protein function with a negative predictive value of 95%. In summary, the available evidence is currently insufficient to determine the role of this variant in disease. Therefore, it has been classified as a Variant of Uncertain Significance.

NM_006939.4(SOS2):c.541A>G (p.Ile181Val)

Gene: SOS2 (SOS Ras/Rho guanine nucleotide exchange factor 2; minus strand). Cytogenetic location: 14q21.3.
Variant type: single nucleotide variant.
Coding change: c.541A>G on transcript NM_006939.4 (MANE Select); coding-DNA position 541, A replaced by G.
Protein change: p.Ile181Val; replaces isoleucine 181 with valine.
Molecular consequence: missense variant.
Genome position (GRCh38, 1-based): chr14:50,188,670, T>C on the plus strand (A>G on the coding strand, the complement: SOS2 is on the minus strand). VCF-style: chr14-50188670-T-C. GRCh37 (hg19) VCF-style: chr14-50655388-T-C.
Other names: c.541A>G, p.Ile181Val (NM_001411020.1); short protein forms I181V.
Identifiers: ClinVar variation 1947518 (VCV001947518.5), dbSNP rs776470985, ClinGen allele CA389648301.
Genomic context (GRCh38, chr14:50,188,670, plus strand): 5'-CATAGTAGTTTAATTCACCAGAAGAACTAGGTTCATCTTCACAGAGAGAAACCAAACCTA[T>C]GTCATCCTGATCAAACATGTCCATCAAAACCTGAGAAACAGAAATCAATAATGTATAAAT-3'
Protein context (NP_008870.2, residues 171-191): VLMDMFDQDD[Ile181Val]GLVSLCEDEP